The following is an entry in ClinVar:

NM_000520.6(HEXA):c.1164C>G (p.Ile388Met)

Gene: HEXA (hexosaminidase subunit alpha; minus strand). Cytogenetic location: 15q23.
Variant type: single nucleotide variant.
Coding change: c.1164C>G on transcript NM_000520.6 (MANE Select); coding-DNA position 1164, C replaced by G.
Protein change: p.Ile388Met; replaces isoleucine 388 with methionine.
Molecular consequence: missense variant.
Genome position (GRCh38, 1-based): chr15:72,346,693, G>C on the plus strand (C>G on the coding strand, the complement: HEXA is on the minus strand). VCF-style: chr15-72346693-G-C. GRCh37 (hg19) VCF-style: chr15-72639034-G-C.
Other names: c.1197C>G, p.Ile399Met (NM_001318825.2); short protein forms I388M, I399M.
Identifiers: ClinVar variation 968774 (VCV000968774.10), dbSNP rs760153692, ClinGen allele CA7644769.

ClinVar aggregate classification (germline): Uncertain significance. Review status: criteria provided, multiple submitters, no conflicts (2 of 4 stars). 4 submissions from 4 submitters: Uncertain significance (3). 1 of the submissions does not count toward it. Last evaluated 2024-10-24.

Conditions:
Tay-Sachs disease (TSD). Also called: Hexosaminidase A Deficiency; HEXA DEFICIENCY; GM2 gangliosidosis, type 1; Hexosaminidase alpha-subunit deficiency (variant B); Sphingolipidosis, Tay-Sachs; HEXA Disorders. Identifiers: Orphanet 845, MedGen C0039373, MONDO:0010100, OMIM 272800.

Allele frequency attached by ClinVar (database versions not stated): gnomAD exomes 0.00005 and 0.00009; ExAC 0.00006; TOPMed 0.00006; gnomAD 0.00007.
gnomAD v4.1: 139 of 1,613,998 alleles (0.0086%); highest among the groups gnomAD compares: Non-Finnish European, 0.011%; no homozygotes.

Submissions (4):

Blueprint Genetics
Classification: Uncertain significance. Last evaluated: 2024-10-24. Review status: criteria provided, single submitter. Criteria: ACMG Guidelines, 2015. Collection method: clinical testing. Allele origin: germline.

Labcorp Genetics (formerly Invitae), Labcorp
Classification: Uncertain significance for Tay-Sachs disease. Last evaluated: 2022-09-17. Review status: criteria provided, single submitter. Criteria: Invitae Variant Classification Sherloc (09022015). Collection method: clinical testing. Allele origin: germline.
Comment: This sequence change replaces isoleucine, which is neutral and non-polar, with methionine, which is neutral and non-polar, at codon 388 of the HEXA protein (p.Ile388Met). This variant is present in population databases (rs760153692, gnomAD 0.01%). This variant has not been reported in the literature in individuals affected with HEXA-related conditions. ClinVar contains an entry for this variant (Variation ID: 968774). Advanced modeling of protein sequence and biophysical properties (such as structural, functional, and spatial information, amino acid conservation, physicochemical variation, residue mobility, and thermodynamic stability) has been performed at Invitae for this missense variant, however the output from this modeling did not meet the statistical confidence thresholds required to predict the impact of this variant on HEXA protein function. In summary, the available evidence is currently insufficient to determine the role of this variant in disease. Therefore, it has been classified as a Variant of Uncertain Significance.

Fulgent Genetics
Classification: Uncertain significance for Tay-Sachs disease. Last evaluated: 2021-09-09. Review status: criteria provided, single submitter. Criteria: ACMG Guidelines, 2015. Collection method: clinical testing. Allele origin: unknown.

Natera, Inc.
Classification: Uncertain significance for Tay-Sachs disease. Last evaluated: 2018-09-25. Review status: no assertion criteria provided. Collection method: clinical testing. Allele origin: germline. Not counted in ClinVar's aggregate classification.